The following is an entry in ClinVar:

NM_000384.3(APOB):c.3004G>C (p.Glu1002Gln)

Gene: APOB (apolipoprotein B; minus strand). Cytogenetic location: 2p24.1.
Variant type: single nucleotide variant.
Coding change: c.3004G>C on transcript NM_000384.3 (MANE Select); coding-DNA position 3004, G replaced by C.
Protein change: p.Glu1002Gln; replaces glutamic acid 1002 with glutamine.
Molecular consequence: missense variant.
Genome position (GRCh38, 1-based): chr2:21,019,109, C>G on the plus strand (G>C on the coding strand, the complement: APOB is on the minus strand). VCF-style: chr2-21019109-C-G. GRCh37 (hg19) VCF-style: chr2-21241981-C-G.
Other names: short protein forms E1002Q.
Identifiers: ClinVar variation 5027323 (VCV005027323.1).

ClinVar aggregate classification (germline): Uncertain significance (1 of 4 stars; one submission).

Conditions:
Cardiovascular phenotype. Identifiers: MedGen CN230736.

gnomAD v4.1: 9 of 1,613,996 alleles (0.00056%); highest among the groups gnomAD compares: Non-Finnish European, 0.00076%; no homozygotes.

Submission:

Ambry Genetics
Classification: Uncertain significance for Cardiovascular phenotype. Last evaluated: 2026-07-02. Review status: criteria provided, single submitter. Criteria: Ambry Variant Classification Scheme 2023. Collection method: clinical testing. Allele origin: germline.
Comment: The p.E1002Q variant (also known as c.3004G>C), located in coding exon 20 of the APOB gene, results from a G to C substitution at nucleotide position 3004. The glutamic acid at codon 1002 is replaced by glutamine, an amino acid with highly similar properties. This amino acid position is conserved. In addition, this alteration is predicted to be tolerated by in silico analysis. Based on the available evidence, the clinical significance of this variant remains unclear.